The following is an entry in ClinVar:

ClinVar aggregate classification (germline): Uncertain significance (1 of 4 stars; one submission).

Submission:

Labcorp Genetics (formerly Invitae), Labcorp
Classification: Uncertain significance. Last evaluated: 2025-06-23. Review status: criteria provided, single submitter. Criteria: Invitae Variant Classification Sherloc (09022015). Collection method: clinical testing. Allele origin: germline.
Comment: This sequence change replaces glutamic acid, which is acidic and polar, with glycine, which is neutral and non-polar, at codon 1794 of the MYO7A protein (p.Glu1794Gly). This variant is not present in population databases (gnomAD no frequency). This variant has not been reported in the literature in individuals affected with MYO7A-related conditions. Invitae Evidence Modeling of protein sequence and biophysical properties (such as structural, functional, and spatial information, amino acid conservation, physicochemical variation, residue mobility, and thermodynamic stability) indicates that this missense variant is expected to disrupt MYO7A protein function with a positive predictive value of 95%. In summary, the available evidence is currently insufficient to determine the role of this variant in disease. Therefore, it has been classified as a Variant of Uncertain Significance.

NM_000260.4(MYO7A):c.5381A>G (p.Glu1794Gly)

Gene: MYO7A (myosin VIIA; plus strand). Cytogenetic location: 11q13.5.
Variant type: single nucleotide variant.
Coding change: c.5381A>G on transcript NM_000260.4 (MANE Select); coding-DNA position 5381, A replaced by G.
Protein change: p.Glu1794Gly; replaces glutamic acid 1794 with glycine.
Molecular consequence: missense variant.
Genome position (GRCh38, 1-based): chr11:77,204,130, A>G. VCF-style: chr11-77204130-A-G. GRCh37 (hg19) VCF-style: chr11-76915175-A-G.
Other names: c.5267A>G, p.Glu1756Gly (NM_001127180.2); c.5234A>G, p.Glu1745Gly (NM_001369365.1); short protein forms E1745G, E1756G, E1794G.
Identifiers: ClinVar variation 4800489 (VCV004800489.1).